The following is an entry in ClinVar:

NM_001080517.3(SETD5):c.2945A>G (p.Asn982Ser)

Gene: SETD5 (SET domain containing 5; plus strand). Cytogenetic location: 3p25.3.
Variant type: single nucleotide variant.
Coding change: c.2945A>G on transcript NM_001080517.3 (MANE Select); coding-DNA position 2945, A replaced by G.
Protein change: p.Asn982Ser; replaces asparagine 982 with serine.
Molecular consequence: missense variant.
Genome position (GRCh38, 1-based): chr3:9,470,679, A>G. VCF-style: chr3-9470679-A-G. GRCh37 (hg19) VCF-style: chr3-9512363-A-G.
Other names: c.2651A>G, p.Asn884Ser (NM_001292043.2, NM_001349451.2); short protein forms N884S, N982S.
Identifiers: ClinVar variation 2579597 (VCV002579597.3), dbSNP rs998030813, ClinGen allele CA69950065.

ClinVar aggregate classification (germline): Uncertain significance. Review status: criteria provided, multiple submitters, no conflicts (2 of 4 stars). 2 submissions from 2 submitters: Uncertain significance (2). Last evaluated 2024-05-22.

Allele frequency attached by ClinVar (database versions not stated): gnomAD 0.00001; TOPMed 0.00001.
gnomAD v4.1: 4 of 1,613,886 alleles (0.00025%); highest among the groups gnomAD compares: East Asian, 0.0022%; no homozygotes.

Submissions (2):

Labcorp Genetics (formerly Invitae), Labcorp
Classification: Uncertain significance. Last evaluated: 2024-05-22. Review status: criteria provided, single submitter. Criteria: Invitae Variant Classification Sherloc (09022015). Collection method: clinical testing. Allele origin: germline.
Comment: This sequence change replaces asparagine, which is neutral and polar, with serine, which is neutral and polar, at codon 982 of the SETD5 protein (p.Asn982Ser). This variant is not present in population databases (gnomAD no frequency). This variant has not been reported in the literature in individuals affected with SETD5-related conditions. ClinVar contains an entry for this variant (Variation ID: 2579597). Advanced modeling of protein sequence and biophysical properties (such as structural, functional, and spatial information, amino acid conservation, physicochemical variation, residue mobility, and thermodynamic stability) performed at Invitae indicates that this missense variant is not expected to disrupt SETD5 protein function with a negative predictive value of 80%. In summary, the available evidence is currently insufficient to determine the role of this variant in disease. Therefore, it has been classified as a Variant of Uncertain Significance.

GeneDx
Classification: Uncertain significance. Last evaluated: 2023-03-08. Review status: criteria provided, single submitter. Criteria: GeneDx Variant Classification Process June 2021. Collection method: clinical testing. Allele origin: germline. Affected: yes.
Comment: Not observed at significant frequency in large population cohorts (gnomAD); In silico analysis supports that this missense variant does not alter protein structure/function; Has not been previously published as pathogenic or benign to our knowledge